The following is an entry in ClinVar:

ClinVar aggregate classification (germline): Likely benign (1 of 4 stars; one submission).

Allele frequency attached by ClinVar (database versions not stated): gnomAD exomes 0.00003; gnomAD 0.00006; TOPMed 0.00009.
gnomAD v4.1: 21 of 427,472 alleles (0.0049%); highest among the groups gnomAD compares: Admixed American, 0.063%; no homozygotes.

Submission:

GeneDx
Classification: Likely benign. Last evaluated: 2016-08-08. Review status: criteria provided, single submitter. Criteria: GeneDx Variant Classification (06012015). Collection method: clinical testing. Allele origin: germline. Affected: yes.
Comment: This variant is considered likely benign or benign based on one or more of the following criteria: it is a conservative change, it occurs at a poorly conserved position in the protein, it is predicted to be benign by multiple in silico algorithms, and/or has population frequency not consistent with disease.

NM_015272.5(RPGRIP1L):c.-28A>T

Gene: RPGRIP1L (RPGRIP1 like; minus strand). Cytogenetic location: 16q12.2.
Variant type: single nucleotide variant.
Coding change: c.-28A>T on transcript NM_015272.5 (MANE Select); 28 bases upstream of the start codon, A replaced by T.
Molecular consequence: 5 prime UTR variant.
Genome position (GRCh38, 1-based): chr16:53,703,823, T>A on the plus strand (A>T on the coding strand, the complement: RPGRIP1L is on the minus strand). VCF-style: chr16-53703823-T-A. GRCh37 (hg19) VCF-style: chr16-53737735-T-A.
Other names: c.-28A>T (NM_001127897.4, NM_001308334.3, NM_001328422.2 and 2 more transcripts).
Identifiers: ClinVar variation 388320 (VCV000388320.1), dbSNP rs933419557, ClinGen allele CA16607040.